The following is an entry in ClinVar:

ClinVar aggregate classification (germline): Uncertain significance (1 of 4 stars; one submission).

Conditions:
Combined immunodeficiency due to LRBA deficiency. Also called: Common variable immunodeficiency 8, with autoimmunity. Identifiers: Orphanet 445018, MedGen C3553512, MONDO:0013863, OMIM 614700.

Allele frequency attached by ClinVar (database versions not stated): ExAC 0.00001; TOPMed 0.00001; ESP Exome Variant Server 0.00015.
gnomAD v4.1: 12 of 1,613,994 alleles (0.00074%); highest among the groups gnomAD compares: Middle Eastern, 0.016%; no homozygotes.

Submission:

Labcorp Genetics (formerly Invitae), Labcorp
Classification: Uncertain significance for Combined immunodeficiency due to LRBA deficiency. Last evaluated: 2022-03-18. Review status: criteria provided, single submitter. Criteria: Invitae Variant Classification Sherloc (09022015). Collection method: clinical testing. Allele origin: germline.
Comment: This sequence change replaces glycine, which is neutral and non-polar, with aspartic acid, which is acidic and polar, at codon 1032 of the LRBA protein (p.Gly1032Asp). This variant is present in population databases (rs375508653, gnomAD 0.007%). This variant has not been reported in the literature in individuals affected with LRBA-related conditions. Algorithms developed to predict the effect of missense changes on protein structure and function (SIFT, PolyPhen-2, Align-GVGD) all suggest that this variant is likely to be tolerated. In summary, the available evidence is currently insufficient to determine the role of this variant in disease. Therefore, it has been classified as a Variant of Uncertain Significance.

NM_001364905.1(LRBA):c.3095G>A (p.Gly1032Asp)

Gene: LRBA (LPS responsive beige-like anchor protein; minus strand). Cytogenetic location: 4q31.3.
Variant type: single nucleotide variant.
Coding change: c.3095G>A on transcript NM_001364905.1 (MANE Select); coding-DNA position 3095, G replaced by A.
Protein change: p.Gly1032Asp; replaces glycine 1032 with aspartic acid.
Molecular consequence: missense variant.
Genome position (GRCh38, 1-based): chr4:150,852,615, C>T on the plus strand (G>A on the coding strand, the complement: LRBA is on the minus strand). VCF-style: chr4-150852615-C-T. GRCh37 (hg19) VCF-style: chr4-151773767-C-T.
Other names: c.3095G>A, p.Gly1032Asp (NM_001199282.3, NM_001367550.1, NM_006726.5); short protein forms G1032D.
Identifiers: ClinVar variation 1917377 (VCV001917377.2), dbSNP rs375508653, ClinGen allele CA3103100.